The following is an entry in ClinVar:

ClinVar aggregate classification (germline): Uncertain significance (1 of 4 stars; one submission).

Conditions:
Hereditary cancer-predisposing syndrome. Also called: Neoplastic Syndromes, Hereditary; Hereditary Cancer Syndrome; Hereditary neoplastic syndrome; Tumor predisposition. Identifiers: Orphanet 140162, MedGen C0027672, MeSH D009386, MONDO:0015356.

Submission:

Ambry Genetics
Classification: Uncertain significance for Hereditary cancer-predisposing syndrome. Last evaluated: 2023-04-20. Review status: criteria provided, single submitter. Criteria: Ambry Variant Classification Scheme 2023. Collection method: clinical testing. Allele origin: germline.
Comment: The p.F1216L variant (also known as c.3646T>C), located in coding exon 10 of the BRCA2 gene, results from a T to C substitution at nucleotide position 3646. The phenylalanine at codon 1216 is replaced by leucine, an amino acid with highly similar properties. This amino acid position is well conserved in available vertebrate species. In addition, the in silico prediction for this alteration is inconclusive. Since supporting evidence is limited at this time, the clinical significance of this alteration remains unclear.

NM_000059.4(BRCA2):c.3646T>C (p.Phe1216Leu)

Gene: BRCA2 (BRCA2 DNA repair associated; plus strand). Cytogenetic location: 13q13.1.
Variant type: single nucleotide variant.
Coding change: c.3646T>C on transcript NM_000059.4 (MANE Select); coding-DNA position 3646, T replaced by C.
Protein change: p.Phe1216Leu; replaces phenylalanine 1216 with leucine.
Molecular consequence: missense variant. On other transcripts: non-coding transcript variant (1), intron variant (2).
Genome position (GRCh38, 1-based): chr13:32,338,001, T>C. VCF-style: chr13-32338001-T-C. GRCh37 (hg19) VCF-style: chr13-32912138-T-C.
Other names: c.3646T>C, p.Phe1216Leu (NM_001406719.1, NM_001406720.1); c.1909+4614T>C (NM_001406721.1); c.425-6557T>C (NM_001406722.1); short protein forms F1216L.
Identifiers: ClinVar variation 2565982 (VCV002565982.2), dbSNP rs2137498648, ClinGen allele CA387777944.
Genomic context (GRCh38, chr13:32,338,001, plus strand): 5'-TTGAAAAATGACTGTAACAAAAGTGCTTCTGGTTATTTAACAGATGAAAATGAAGTGGGG[T>C]TTAGGGGCTTTTATTCTGCTCATGGCACAAAACTGAATGTTTCTACTGAAGCTCTGCAAA-3'
Protein context (NP_000050.3, residues 1206-1226): GYLTDENEVG[Phe1216Leu]RGFYSAHGTK